The following is an entry in ClinVar:

NM_005879.3(TRAIP):c.99-9T>G

Gene: TRAIP (TRAF interacting protein; minus strand). Cytogenetic location: 3p21.31.
Variant type: single nucleotide variant.
Coding change: c.99-9T>G on transcript NM_005879.3 (MANE Select); 9 bases into the intron before coding-DNA position 99, T replaced by G.
Molecular consequence: intron variant.
Genome position (GRCh38, 1-based): chr3:49,848,209, A>C on the plus strand (T>G on the coding strand, the complement: TRAIP is on the minus strand). VCF-style: chr3-49848209-A-C. GRCh37 (hg19) VCF-style: chr3-49885642-A-C.
Identifiers: ClinVar variation 777775 (VCV000777775.16), dbSNP rs181861135, ClinGen allele CA2407952.

ClinVar aggregate classification (germline): Benign/Likely benign. Review status: criteria provided, multiple submitters, no conflicts (2 of 4 stars). 4 submissions from 4 submitters: Benign (2); Likely benign (1). 1 of the submissions does not count toward it. Last evaluated 2026-01-23.

Conditions:
TRAIP-related disorder. Also called: TRAIP-related condition.
Seckel syndrome 9 (SCKL9). Identifiers: Orphanet 808, MedGen C4225212, MONDO:0014767, OMIM 616777.

Allele frequency attached by ClinVar (database versions not stated): 1000 Genomes Project 0.00100; 1000 Genomes Project 30x 0.00109; gnomAD 0.00278 and 0.00286; TOPMed 0.00285; ExAC 0.00335; gnomAD exomes 0.00335 and 0.00395; ESP Exome Variant Server 0.00369.
gnomAD v4.1: 6,205 of 1,614,154 alleles (0.38%); highest among the groups gnomAD compares: Non-Finnish European, 0.43%; 22 homozygotes.

Submissions (10):

Labcorp Genetics (formerly Invitae), Labcorp
Classification: Benign. Last evaluated: 2026-01-23. Review status: criteria provided, single submitter. Criteria: Invitae Variant Classification Sherloc (09022015). Collection method: clinical testing. Allele origin: germline.

Fulgent Genetics
Classification: Likely benign for Seckel syndrome 9. Last evaluated: 2021-09-14. Review status: criteria provided, single submitter. Criteria: ACMG Guidelines, 2015. Collection method: clinical testing. Allele origin: unknown.

Genetic Services Laboratory, University of Chicago
Classification: Benign. Last evaluated: 2021-03-05. Review status: criteria provided, single submitter. Criteria: ACMG Guidelines, 2015. Collection method: clinical testing. Allele origin: germline. Affected: no.

PreventionGenetics, part of Exact Sciences
Classification: Benign for TRAIP-related condition. Last evaluated: 2019-06-20. Review status: no assertion criteria provided. Collection method: clinical testing. Allele origin: germline. Not counted in ClinVar's aggregate classification.
Comment: This variant is classified as benign based on ACMG/AMP sequence variant interpretation guidelines (Richards et al. 2015 PMID: 25741868, with internal and published modifications).

Dr. Peter K. Rogan Lab, Western University
No classification provided (evidence only). Condition: Clear cell carcinoma of kidney. Review status: no classification provided. Collection method: in vitro. Allele origin: not applicable. Functional consequence: retained intron. Not counted in ClinVar's aggregate classification.

Dr. Peter K. Rogan Lab, Western University
No classification provided (evidence only). Condition: Lung cancer. Review status: no classification provided. Collection method: in vitro. Allele origin: not applicable. Functional consequence: retained intron. Not counted in ClinVar's aggregate classification.

Dr. Peter K. Rogan Lab, Western University
No classification provided (evidence only). Condition: Familial cancer of breast. Review status: no classification provided. Collection method: in vitro. Allele origin: not applicable. Functional consequence: retained intron. Not counted in ClinVar's aggregate classification.

Dr. Peter K. Rogan Lab, Western University
No classification provided (evidence only). Condition: Chronic lymphocytic leukemia/small lymphocytic lymphoma. Review status: no classification provided. Collection method: in vitro. Allele origin: not applicable. Functional consequence: retained intron. Not counted in ClinVar's aggregate classification.

Dr. Peter K. Rogan Lab, Western University
No classification provided (evidence only). Condition: Nonpapillary renal cell carcinoma. Review status: no classification provided. Collection method: in vitro. Allele origin: not applicable. Functional consequence: retained intron. Not counted in ClinVar's aggregate classification.

Dr. Peter K. Rogan Lab, Western University
No classification provided (evidence only). Condition: Lymphoma. Review status: no classification provided. Collection method: in vitro. Allele origin: not applicable. Functional consequence: skipped exon. Not counted in ClinVar's aggregate classification.